The following is an entry in ClinVar:

ClinVar aggregate classification (germline): Uncertain significance (1 of 4 stars; one submission).

Submission:

Ambry Genetics
Classification: Uncertain significance. Last evaluated: 2021-10-30. Review status: criteria provided, single submitter. Criteria: Ambry Variant Classification Scheme 2023. Collection method: clinical testing. Allele origin: germline.
Comment: The p.H3748Q variant (also known as c.11244C>G), located in coding exon 79 of the PRKDC gene, results from a C to G substitution at nucleotide position 11244. The histidine at codon 3748 is replaced by glutamine, an amino acid with highly similar properties. This amino acid position is conserved. In addition, the in silico prediction for this alteration is inconclusive. Since supporting evidence is limited at this time, the clinical significance of this alteration remains unclear.

NM_006904.7(PRKDC):c.11244C>G (p.His3748Gln)

Gene: PRKDC (protein kinase, DNA-activated, catalytic subunit; minus strand). Cytogenetic location: 8q11.21.
Variant type: single nucleotide variant.
Coding change: c.11244C>G on transcript NM_006904.7 (MANE Select); coding-DNA position 11244, C replaced by G.
Protein change: p.His3748Gln; replaces histidine 3748 with glutamine.
Molecular consequence: missense variant.
Genome position (GRCh38, 1-based): chr8:47,782,530, G>C on the plus strand (C>G on the coding strand, the complement: PRKDC is on the minus strand). VCF-style: chr8-47782530-G-C. GRCh37 (hg19) VCF-style: chr8-48695091-G-C.
Other names: c.11244C>G, p.His3748Gln (NM_001081640.2); short protein forms H3748Q.
Identifiers: ClinVar variation 1798569 (VCV001798569.2), dbSNP rs763446890, ClinGen allele CA371130077.